The following is an entry in ClinVar:

NM_006182.4(DDR2):c.518C>G (p.Ser173Cys)

Gene: DDR2 (discoidin domain receptor tyrosine kinase 2; plus strand). Cytogenetic location: 1q23.3.
Variant type: single nucleotide variant.
Coding change: c.518C>G on transcript NM_006182.4 (MANE Select); coding-DNA position 518, C replaced by G.
Protein change: p.Ser173Cys; replaces serine 173 with cysteine.
Molecular consequence: missense variant.
Genome position (GRCh38, 1-based): chr1:162,755,256, C>G. VCF-style: chr1-162755256-C-G. GRCh37 (hg19) VCF-style: chr1-162725046-C-G.
Other names: c.518C>G, p.Ser173Cys (NM_001014796.3, NM_001354982.2, NM_001354983.2); c.518C>G (NM_006182.2); short protein forms S173C.
Identifiers: ClinVar variation 1448021 (VCV001448021.6), dbSNP rs202091759, ClinGen allele CA1217265.

ClinVar aggregate classification (germline): Uncertain significance. Review status: criteria provided, multiple submitters, no conflicts (2 of 4 stars). 2 submissions from 2 submitters: Uncertain significance (2). Last evaluated 2025-07-10.

Conditions:
Inborn genetic diseases. Identifiers: MedGen C0950123, MeSH D030342.

Allele frequency attached by ClinVar (database versions not stated): gnomAD 0.00004; gnomAD exomes 0.00004 and 0.00008; TOPMed 0.00004; ExAC 0.00012; 1000 Genomes Project 30x 0.00016; 1000 Genomes Project 0.00020.

Submissions (2):

Labcorp Genetics (formerly Invitae), Labcorp
Classification: Uncertain significance. Last evaluated: 2025-07-10. Review status: criteria provided, single submitter. Criteria: Invitae Variant Classification Sherloc (09022015). Collection method: clinical testing. Allele origin: germline.
Comment: This sequence change replaces serine, which is neutral and polar, with cysteine, which is neutral and slightly polar, at codon 173 of the DDR2 protein (p.Ser173Cys). This variant is present in population databases (rs202091759, gnomAD 0.04%). This variant has not been reported in the literature in individuals affected with DDR2-related conditions. ClinVar contains an entry for this variant (Variation ID: 1448021). An algorithm developed to predict the effect of missense changes on protein structure and function (PolyPhen-2) suggests that this variant is likely to be tolerated. In summary, the available evidence is currently insufficient to determine the role of this variant in disease. Therefore, it has been classified as a Variant of Uncertain Significance.

Ambry Genetics
Classification: Uncertain significance for Inborn genetic diseases. Last evaluated: 2025-04-24. Review status: criteria provided, single submitter. Criteria: Ambry Variant Classification Scheme 2023. Collection method: clinical testing. Allele origin: germline.